The following is an entry in ClinVar:

ClinVar aggregate classification (germline): Pathogenic (1 of 4 stars; one submission).

Conditions:
Fanconi anemia complementation group O. Also called: RAD51C-Related Fanconi Anemia. Identifiers: Orphanet 84, MedGen C3150653, MONDO:0013248, OMIM 613390.

Submission:

Labcorp Genetics (formerly Invitae), Labcorp
Classification: Pathogenic for Fanconi anemia complementation group O. Last evaluated: 2022-08-30. Review status: criteria provided, single submitter. Criteria: Invitae Variant Classification Sherloc (09022015). Collection method: clinical testing. Allele origin: germline.
Comment: This variant is a gross deletion of the genomic region encompassing exon(s) 8-9 of the RAD51C gene, which includes the termination codon. This deletion extends beyond the assayed region for this gene and therefore may encompass additional genes. While this deletion is not anticipated to lead to nonsense mediated decay, it is expected to alter mRNA translation or result in a truncated protein product. A similar copy number variant has been observed in individual(s) with a personal and family history of ovarian cancer (PMID: 27616075). This variant disrupts the nuclear localization signal (NLS) of the RAD51C protein, which is important for proper localization and function of the RAD51C protein (PMID:12966089). While functional studies have not been performed to directly test the effect of this variant on RAD51C protein function, this suggests that disruption of this region of the protein is causative of disease. For these reasons, this variant has been classified as Pathogenic.

Literature cited by the submitters: PubMed 27616075; PubMed 12966089.

NC_000017.11:g.(?_58732474)_(58734222_?)del

Gene: RAD51C (RAD51 paralog C; plus strand). Cytogenetic location: 17q22.
Variant type: Deletion.
Identifiers: ClinVar variation 831533 (VCV000831533.2).